The following is an entry in ClinVar:

NM_000535.7(PMS2):c.1016A>C (p.Asp339Ala)

Gene: PMS2 (PMS1 homolog 2, mismatch repair system component; minus strand). Cytogenetic location: 7p22.1.
Variant type: single nucleotide variant.
Coding change: c.1016A>C on transcript NM_000535.7 (MANE Select); coding-DNA position 1016, A replaced by C.
Protein change: p.Asp339Ala; replaces aspartic acid 339 with alanine.
Molecular consequence: missense variant. On other transcripts: non-coding transcript variant (1), intron variant (2).
Genome position (GRCh38, 1-based): chr7:5,989,928, T>G on the plus strand (A>C on the coding strand, the complement: PMS2 is on the minus strand). VCF-style: chr7-5989928-T-G. GRCh37 (hg19) VCF-style: chr7-6029559-T-G.
Other names: c.611A>C, p.Asp204Ala (NM_001322003.2, NM_001322004.2, NM_001322005.2 and 1 more transcripts); c.698A>C, p.Asp233Ala (NM_001322007.2, NM_001322008.2); c.83A>C, p.Asp28Ala (NM_001322011.2, NM_001322012.2); c.443A>C, p.Asp148Ala (NM_001322013.2); c.1016A>C, p.Asp339Ala (NM_001322014.2); c.707A>C, p.Asp236Ala (NM_001322015.2); c.583+2045A>C (NM_001322010.2); c.988+2045A>C (NM_001322006.2); short protein forms D233A, D204A, D339A, D148A, D236A, D28A.
Identifiers: ClinVar variation 1462899 (VCV001462899.8), dbSNP rs1783546106, ClinGen allele CA366742985.

ClinVar aggregate classification (germline): Uncertain significance (1 of 4 stars; one submission).

Conditions:
Hereditary nonpolyposis colorectal neoplasms. Identifiers: MedGen C0009405, MeSH D003123.

Submission:

Labcorp Genetics (formerly Invitae), Labcorp
Classification: Uncertain significance for Hereditary nonpolyposis colorectal neoplasms. Last evaluated: 2021-01-11. Review status: criteria provided, single submitter. Criteria: Invitae Variant Classification Sherloc (09022015). Collection method: clinical testing. Allele origin: germline.
Comment: In summary, the available evidence is currently insufficient to determine the role of this variant in disease. Therefore, it has been classified as a Variant of Uncertain Significance. Algorithms developed to predict the effect of missense changes on protein structure and function (SIFT, PolyPhen-2, Align-GVGD) all suggest that this variant is likely to be disruptive, but these predictions have not been confirmed by published functional studies and their clinical significance is uncertain. This variant has not been reported in the literature in individuals with PMS2-related conditions. This variant is not present in population databases (ExAC no frequency). This sequence change replaces aspartic acid with alanine at codon 339 of the PMS2 protein (p.Asp339Ala). The aspartic acid residue is highly conserved and there is a moderate physicochemical difference between aspartic acid and alanine.